The following is an entry in ClinVar:

NM_004725.4(BUB3):c.430T>G (p.Ser144Ala)

Gene: BUB3 (BUB3 mitotic checkpoint protein; plus strand). Cytogenetic location: 10q26.13.
Variant type: single nucleotide variant.
Coding change: c.430T>G on transcript NM_004725.4 (MANE Select); coding-DNA position 430, T replaced by G.
Protein change: p.Ser144Ala; replaces serine 144 with alanine.
Molecular consequence: missense variant.
Genome position (GRCh38, 1-based): chr10:123,160,419, T>G. VCF-style: chr10-123160419-T-G. GRCh37 (hg19) VCF-style: chr10-124919935-T-G.
Other names: c.430T>G, p.Ser144Ala (NM_001007793.3); short protein forms S144A.
Identifiers: ClinVar variation 2625365 (VCV002625365.2), dbSNP rs2493763106, ClinGen allele CA378626086.
Genomic context (GRCh38, chr10:123,160,419, plus strand): 5'-TTTCAGGCAAGAAGGTGATTTTTAGCAAGTTTTGATCTTTTTTAAAAGGTATATACCCTC[T>G]CAGTGTCTGGAGACCGGCTGATTGTGGGAACAGCAGGCCGCAGAGTGTTGGTGTGGGACT-3'
Protein context (NP_004716.1, residues 134-154): FSQPEKVYTL[Ser144Ala]VSGDRLIVGT

ClinVar aggregate classification (germline): Uncertain significance (1 of 4 stars; one submission).

Submission:

Ambry Genetics
Classification: Uncertain significance. Last evaluated: 2023-07-05. Review status: criteria provided, single submitter. Criteria: Ambry Variant Classification Scheme 2023. Collection method: clinical testing. Allele origin: germline.
Comment: The p.S144A variant (also known as c.430T>G), located in coding exon 4 of the BUB3 gene, results from a T to G substitution at nucleotide position 430. The serine at codon 144 is replaced by alanine, an amino acid with similar properties. This amino acid position is conserved. In addition, this alteration is predicted to be tolerated by in silico analysis. Since supporting evidence is limited at this time, the clinical significance of this alteration remains unclear.